The following is an entry in ClinVar:

NM_001458.5(FLNC):c.6529A>G (p.Thr2177Ala)

Genes: FLNC-AS1 (FLNC antisense RNA 1; minus strand), FLNC (filamin C; plus strand). Cytogenetic location: 7q32.1.
Variant type: single nucleotide variant.
Coding change: c.6529A>G on transcript NM_001458.5 (MANE Select); coding-DNA position 6529, A replaced by G.
Protein change: p.Thr2177Ala; replaces threonine 2177 with alanine.
Molecular consequence: missense variant.
Genome position (GRCh38, 1-based): chr7:128,854,018, A>G. VCF-style: chr7-128854018-A-G. GRCh37 (hg19) VCF-style: chr7-128494072-A-G.
Other names: c.6430A>G, p.Thr2144Ala (NM_001127487.2); short protein forms T2144A, T2177A.
Identifiers: ClinVar variation 950691 (VCV000950691.10), dbSNP rs1285672775, ClinGen allele CA369212757.

ClinVar aggregate classification (germline): Uncertain significance (1 of 4 stars; one submission).

Conditions:
Myofibrillar myopathy 5. Also called: FILAMINOPATHY, AUTOSOMAL DOMINANT; Filaminopathy (type). Identifiers: Orphanet 171445, MedGen C1836050, MONDO:0012289, OMIM 609524.
Distal myopathy with posterior leg and anterior hand involvement. Also called: WILLIAMS DISTAL MYOPATHY. Identifiers: Orphanet 63273, MedGen C3279722, MONDO:0013550, OMIM 614065.
Hypertrophic cardiomyopathy 26. Also called: Cardiomyopathy, familial hypertrophic, 26. Identifiers: Orphanet 75249, MedGen C4310749, MONDO:0014883, OMIM 617047.

Allele frequency attached by ClinVar (database versions not stated): gnomAD 0.00001.
gnomAD v4.1: 1 of 1,613,014 alleles (0.000062%); highest among the groups gnomAD compares: Admixed American, 0.0017%; no homozygotes.

Submission:

Labcorp Genetics (formerly Invitae), Labcorp
Classification: Uncertain significance for Distal myopathy with posterior leg and anterior hand involvement; Myofibrillar myopathy 5; Hypertrophic cardiomyopathy 26. Last evaluated: 2023-04-26. Review status: criteria provided, single submitter. Criteria: Invitae Variant Classification Sherloc (09022015). Collection method: clinical testing. Allele origin: germline.
Comment: This variant is present in population databases (no rsID available, gnomAD 0.1%). In summary, the available evidence is currently insufficient to determine the role of this variant in disease. Therefore, it has been classified as a Variant of Uncertain Significance. An algorithm developed to predict the effect of missense changes on protein structure and function (PolyPhen-2) suggests that this variant is likely to be tolerated. ClinVar contains an entry for this variant (Variation ID: 950691). This variant has not been reported in the literature in individuals affected with FLNC-related conditions. This sequence change replaces threonine, which is neutral and polar, with alanine, which is neutral and non-polar, at codon 2177 of the FLNC protein (p.Thr2177Ala).